The following is an entry in ClinVar:

ClinVar aggregate classification (germline): Uncertain significance (1 of 4 stars; one submission).

Conditions:
Inborn genetic diseases. Identifiers: MedGen C0950123, MeSH D030342.

Submission:

Ambry Genetics
Classification: Uncertain significance for Inborn genetic diseases. Last evaluated: 2025-11-06. Review status: criteria provided, single submitter. Criteria: Ambry Variant Classification Scheme 2023. Collection method: clinical testing. Allele origin: germline.
Comment: The c.1281_1282insA variant, located in coding exon 5 of the GATA2 gene, results from an insertion of one nucleotide at position 1281, causing a translational frameshift with a predicted alternate stop codon (p.F428Ifs*108). This alteration occurs at the 3' terminus of the gene, is not expected to trigger nonsense-mediated mRNAdecay and results in the elongation of the protein by 54 amino acids. This frameshift impacts the last 11% ofamino acids of the native protein. The exact functional effect of the altered amino acids is unknown. Based on the available evidence, the clinical significance of this variant remains unclear.

NM_032638.5(GATA2):c.1281_1282insA (p.Phe428fs)

Gene: GATA2 (GATA binding protein 2; minus strand). Cytogenetic location: 3q21.3.
Variant type: Insertion.
Coding change: c.1281_1282insA on transcript NM_032638.5 (MANE Select); coding-DNA positions 1281 to 1282, A inserted.
Protein change: p.Phe428fs; shifts the reading frame from phenylalanine 428.
Molecular consequence: frameshift variant.
Genome position: GRCh38 VCF-style: chr3-128481180-A-AT. GRCh37 (hg19) VCF-style: chr3-128200023-A-AT.
Other names: c.1281_1282insA, p.Phe428fs (NM_001145661.2); c.1239_1240insA, p.Phe414fs (NM_001145662.1); short protein forms F414fs, F428fs.
Identifiers: ClinVar variation 4620630 (VCV004620630.1).